The following is an entry in ClinVar:

ClinVar aggregate classification (germline): Conflicting classifications of pathogenicity. Review status: criteria provided, conflicting classifications (1 of 4 stars). 5 submissions from 5 submitters: Uncertain significance (4); Benign (1). Last evaluated 2026-04-25.

Conditions:
DICER1-related disorder. Also called: DICER1-related condition.
Global developmental delay - lung cysts - overgrowth - Wilms tumor syndrome. Also called: GLOBAL DEVELOPMENTAL DELAY, LUNG CYSTS, OVERGROWTH, AND WILMS TUMOR; GLOW Syndrome. Identifiers: Orphanet 404476, MedGen C4748924, MONDO:0018445, OMIM 618272.
DICER1-related tumor predisposition. Also called: DICER1 syndrome; DICER1-related pleuropulmonary blastoma cancer predisposition syndrome. Identifiers: Orphanet 284343, MedGen C3839822, MONDO:0100216.
Ovarian cancer. Also called: OVARIAN CANCER, SOMATIC. Identifiers: Orphanet 213500, MedGen C1140680, MONDO:0008170, OMIM 167000.
Hereditary cancer-predisposing syndrome. Also called: Neoplastic Syndromes, Hereditary; Tumor predisposition; Hereditary Cancer Syndrome; Hereditary neoplastic syndrome. Identifiers: Orphanet 140162, MedGen C0027672, MeSH D009386, MONDO:0015356.

Allele frequency attached by ClinVar (database versions not stated): gnomAD exomes below 0.00001; TOPMed below 0.00001; gnomAD 0.00001.

Submissions (5):

PreventionGenetics, part of Exact Sciences
Classification: Uncertain significance for DICER1-related condition. Last evaluated: 2026-04-25. Review status: criteria provided, single submitter. Criteria: ACMG Guidelines, 2015. Collection method: clinical testing. Allele origin: germline.
Comment: The DICER1 c.1807C>A variant is predicted to result in the amino acid substitution p.Pro603Thr. To our knowledge, this variant has not been reported in the literature. This variant is reported in 0.010% of alleles in individuals of East Asian descent in gnomAD and has interpretations of uncertain significance and benign in ClinVar (Variation ID: 412096). At this time, the clinical significance of this variant is uncertain due to the absence of conclusive functional and genetic evidence.

Labcorp Genetics (formerly Invitae), Labcorp
Classification: Uncertain significance for DICER1-related tumor predisposition. Last evaluated: 2025-11-19. Review status: criteria provided, single submitter. Criteria: Invitae Variant Classification Sherloc (09022015). Collection method: clinical testing. Allele origin: germline.
Comment: This sequence change replaces proline, which is neutral and non-polar, with threonine, which is neutral and polar, at codon 603 of the DICER1 protein (p.Pro603Thr). This variant is present in population databases (no rsID available, gnomAD 0.01%). This variant has not been reported in the literature in individuals affected with DICER1-related conditions. ClinVar contains an entry for this variant (Variation ID: 412096). Invitae Evidence Modeling of protein sequence and biophysical properties (such as structural, functional, and spatial information, amino acid conservation, physicochemical variation, residue mobility, and thermodynamic stability) indicates that this missense variant is not expected to disrupt DICER1 protein function with a negative predictive value of 95%. In summary, the available evidence is currently insufficient to determine the role of this variant in disease. Therefore, it has been classified as a Variant of Uncertain Significance.

Baylor Genetics
Classification: Uncertain significance for Global developmental delay - lung cysts - overgrowth - Wilms tumor syndrome. Last evaluated: 2024-03-17. Review status: criteria provided, single submitter. Criteria: ACMG Guidelines, 2015. Collection method: clinical testing. Allele origin: unknown.

Ambry Genetics
Classification: Uncertain significance for Hereditary cancer-predisposing syndrome. Last evaluated: 2023-11-29. Review status: criteria provided, single submitter. Criteria: Ambry Variant Classification Scheme 2023. Collection method: clinical testing. Allele origin: germline.
Comment: The p.P603T variant (also known as c.1807C>A), located in coding exon 10 of the DICER1 gene, results from a C to A substitution at nucleotide position 1807. The proline at codon 603 is replaced by threonine, an amino acid with highly similar properties. This amino acid position is not well conserved in available vertebrate species. In addition, this alteration is predicted to be tolerated by in silico analysis. Since supporting evidence is limited at this time, the clinical significance of this alteration remains unclear.

Laboratory of Molecular Epidemiology of Birth Defects, West China Second University Hospital, Sichuan University
Classification: Benign for Ovarian cancer. Last evaluated: 2022-01-01. Review status: criteria provided, single submitter. Criteria: ACMG Guidelines, 2015. Collection method: clinical testing. Allele origin: germline. Affected: yes.

NM_177438.3(DICER1):c.1807C>A (p.Pro603Thr)

Gene: DICER1 (dicer 1, ribonuclease III; minus strand). Cytogenetic location: 14q32.13.
Variant type: single nucleotide variant.
Coding change: c.1807C>A on transcript NM_177438.3 (MANE Select); coding-DNA position 1807, C replaced by A.
Protein change: p.Pro603Thr; replaces proline 603 with threonine.
Molecular consequence: missense variant.
Genome position (GRCh38, 1-based): chr14:95,115,767, G>T on the plus strand (C>A on the coding strand, the complement: DICER1 is on the minus strand). VCF-style: chr14-95115767-G-T. GRCh37 (hg19) VCF-style: chr14-95582104-G-T.
Other names: c.1807C>A, p.Pro603Thr (NM_001195573.1, NM_001271282.3, NM_001291628.2 and 1 more transcripts); short protein forms P603T.
Identifiers: ClinVar variation 412096 (VCV000412096.17), dbSNP rs1060503614, ClinGen allele CA16614370.